The following is an entry in ClinVar:

ClinVar aggregate classification (germline): Conflicting classifications of pathogenicity. Review status: criteria provided, conflicting classifications (1 of 4 stars). 4 submissions from 4 submitters: Uncertain significance (1); Likely benign (3). Last evaluated 2024-12-27.

Conditions:
Hereditary breast ovarian cancer syndrome. Also called: Hereditary breast and ovarian cancer; Hereditary breast and ovarian cancer syndrome (HBOC); Breast and ovarian cancer; Hereditary breast and ovarian cancer syndrome; BRCA1- and BRCA2-Associated Hereditary Breast and Ovarian Cancer; Hereditary breast and/or ovarian cancer syndrome. Identifiers: Orphanet 145, MedGen C0677776, MeSH D061325, MONDO:0003582. Disease mechanism: loss of function.
Hereditary cancer-predisposing syndrome. Also called: Tumor predisposition; Neoplastic Syndromes, Hereditary; Hereditary neoplastic syndrome; Hereditary Cancer Syndrome. Identifiers: Orphanet 140162, MedGen C0027672, MeSH D009386, MONDO:0015356.

Submissions (4):

Ambry Genetics
Classification: Likely benign for Hereditary cancer-predisposing syndrome. Last evaluated: 2024-12-27. Review status: criteria provided, single submitter. Criteria: Ambry Variant Classification Scheme 2023. Collection method: clinical testing. Allele origin: germline.

Women's Health and Genetics/Laboratory Corporation of America, LabCorp
Classification: Uncertain significance. Last evaluated: 2021-07-01. Review status: criteria provided, single submitter. Criteria: LabCorp Variant Classification Summary - May 2015. Collection method: clinical testing. Allele origin: germline.
Comment: Variant summary: BRCA2 c.10192C>T (p.Gln3398X) is located only 20 amino acids from the end of the protein and results in a premature termination codon in the last exon predicted to cause the truncation of the C-terminal end of the protein that does not belong to any known functional domain. This variant is located downstream of a well-known polymorphism c.9976A>T (p.Lys3326X), that results in a truncated protein, suggesting that the region of the BRCA2 gene beyond codon 3326 is not crucial for proper function. The variant was absent in 251034 control chromosomes (gnomAD). The available data on variant occurrences in the general population are insufficient to allow any conclusion about variant significance. To our knowledge, no occurrence of c.10192C>T in individuals affected with Hereditary Breast And Ovarian Cancer Syndrome and no experimental evidence demonstrating its impact on protein function have been reported. Two ClinVar submitters (evaluation after 2014) cite the variant as likely benign. Based on the evidence outlined above, the variant was classified as VUS-possibly benign.

Color Diagnostics, LLC DBA Color Health
Classification: Likely benign for Hereditary cancer-predisposing syndrome. Last evaluated: 2020-04-16. Review status: criteria provided, single submitter. Criteria: ACMG Guidelines, 2015. Collection method: clinical testing. Allele origin: germline.

Labcorp Genetics (formerly Invitae), Labcorp
Classification: Likely benign for Hereditary breast ovarian cancer syndrome. Last evaluated: 2019-08-23. Review status: criteria provided, single submitter. Criteria: Invitae Variant Classification Sherloc (09022015). Collection method: clinical testing. Allele origin: germline.

NM_000059.4(BRCA2):c.10192C>T (p.Gln3398Ter)

Gene: BRCA2 (BRCA2 DNA repair associated; plus strand). Cytogenetic location: 13q13.1.
Variant type: single nucleotide variant.
Coding change: c.10192C>T on transcript NM_000059.4 (MANE Select); coding-DNA position 10192, C replaced by T.
Protein change: p.Gln3398Ter; replaces glutamine 3398 with a stop codon.
Molecular consequence: nonsense.
Genome position (GRCh38, 1-based): chr13:32,398,705, C>T. VCF-style: chr13-32398705-C-T. GRCh37 (hg19) VCF-style: chr13-32972842-C-T.
Other names: short protein forms Q3398*.
Identifiers: ClinVar variation 631394 (VCV000631394.14), dbSNP rs1566261530, ClinGen allele CA387768362.